The following is an entry in ClinVar:

ClinVar aggregate classification (germline): Uncertain significance. Review status: criteria provided, multiple submitters, no conflicts (2 of 4 stars). 3 submissions from 3 submitters: Uncertain significance (3). Last evaluated 2025-02-12.

Conditions:
COL18A1-related disorder. Also called: COL18A1-related condition; COL18A1-related disorders.
Inborn genetic diseases. Identifiers: MedGen C0950123, MeSH D030342.

Allele frequency attached by ClinVar (database versions not stated): gnomAD 0.00004; ExAC 0.00005; gnomAD exomes 0.00005 and 0.00006; TOPMed 0.00006.
gnomAD v4.1: 91 of 1,612,104 alleles (0.0056%); highest among the groups gnomAD compares: Non-Finnish European, 0.0074%; no homozygotes.

Submissions (3):

PreventionGenetics, part of Exact Sciences
Classification: Uncertain significance for COL18A1-related condition. Last evaluated: 2025-02-12. Review status: criteria provided, single submitter. Criteria: ACMG Guidelines, 2015. Collection method: clinical testing. Allele origin: germline.
Comment: The COL18A1 c.2654C>T variant is predicted to result in the amino acid substitution p.Pro885Leu. To our knowledge, this variant has not been reported in the literature. This variant is present in 0.0096% of alleles in individuals of European (Non-Finnish) descent in gnomAD. At this time, the clinical significance of this variant is uncertain due to the absence of conclusive functional and genetic evidence.

Labcorp Genetics (formerly Invitae), Labcorp
Classification: Uncertain significance. Last evaluated: 2023-11-27. Review status: criteria provided, single submitter. Criteria: Invitae Variant Classification Sherloc (09022015). Collection method: clinical testing. Allele origin: germline.
Comment: This sequence change replaces proline, which is neutral and non-polar, with leucine, which is neutral and non-polar, at codon 705 of the COL18A1 protein (p.Pro705Leu). This variant is present in population databases (rs778057950, gnomAD 0.009%). This variant has not been reported in the literature in individuals affected with COL18A1-related conditions. ClinVar contains an entry for this variant (Variation ID: 1471604). Experimental studies and prediction algorithms are not available or were not evaluated, and the functional significance of this variant is currently unknown. In summary, the available evidence is currently insufficient to determine the role of this variant in disease. Therefore, it has been classified as a Variant of Uncertain Significance.

Ambry Genetics
Classification: Uncertain significance for Inborn genetic diseases. Last evaluated: 2021-02-16. Review status: criteria provided, single submitter. Criteria: Ambry Variant Classification Scheme 2023. Collection method: clinical testing. Allele origin: germline.
Comment: The c.2114C>T (p.P705L) alteration is located in exon 22 (coding exon 22) of the COL18A1 gene. This alteration results from a C to T substitution at nucleotide position 2114, causing the proline (P) at amino acid position 705 to be replaced by a leucine (L). The in silico prediction for the p.P705L alteration is inconclusive. Based on insufficient or conflicting evidence, the clinical significance of this alteration remains unclear.

NM_001379500.1(COL18A1):c.2114C>T (p.Pro705Leu)

Gene: COL18A1 (collagen type XVIII alpha 1 chain; plus strand). Cytogenetic location: 21q22.3.
Variant type: single nucleotide variant.
Coding change: c.2114C>T on transcript NM_001379500.1 (MANE Select); coding-DNA position 2114, C replaced by T.
Protein change: p.Pro705Leu; replaces proline 705 with leucine.
Molecular consequence: missense variant.
Genome position (GRCh38, 1-based): chr21:45,491,271, C>T. VCF-style: chr21-45491271-C-T. GRCh37 (hg19) VCF-style: chr21-46911185-C-T.
Other names: NM_130445.2:c.2114C>T; c.2654C>T, p.Pro885Leu (NM_030582.4); c.3359C>T, p.Pro1120Leu (NM_130444.3); c.2654C>T (NM_030582.3); short protein forms P1120L, P885L, P705L.
Identifiers: ClinVar variation 1471604 (VCV001471604.6), dbSNP rs778057950, ClinGen allele CA10066809.